The following is an entry in ClinVar:

NM_000540.3(RYR1):c.10293G>A (p.Ala3431=)

Gene: RYR1 (ryanodine receptor 1; plus strand). Cytogenetic location: 19q13.2.
Variant type: single nucleotide variant.
Coding change: c.10293G>A on transcript NM_000540.3 (MANE Select); coding-DNA position 10293, G replaced by A.
Protein change: p.Ala3431=; no amino-acid change (alanine 3431 retained).
Molecular consequence: synonymous variant.
Genome position (GRCh38, 1-based): chr19:38,523,061, G>A. VCF-style: chr19-38523061-G-A. GRCh37 (hg19) VCF-style: chr19-39013701-G-A.
Other names: c.10293G>A, p.Ala3431= (NM_001042723.2).
Identifiers: ClinVar variation 1148476 (VCV001148476.34), dbSNP rs750009828, ClinGen allele CA053051.
Genomic context (GRCh38, chr19:38,523,061, plus strand): 5'-CCCTCACCTCCCCTCCGCTGACCCCAGGGCGCAGTGGCTGACGGAGCCGAATCCCAGCGC[G>A]GAGGAGCTGTTCAGGATGGTGGGCGAGATCTTCATCTACTGGTCCAAGTCCCACGTGAGT-3'
Protein context (NP_000531.2, residues 3421-3441): AQWLTEPNPS[Ala3431=]EELFRMVGEI

ClinVar aggregate classification (germline): Likely benign. Review status: criteria provided, multiple submitters, no conflicts (2 of 4 stars). 5 submissions from 5 submitters: Likely benign (5). Last evaluated 2025-11-03.

Conditions:
Malignant hyperthermia, susceptibility to, 1 (MHS1). Also called: Anesthesia related hyperthermia; Malignant hyperpyrexia; Fulminating hyperpyrexia; Pharmacogenic myopathy; RYR1-Related Malignant Hyperthermia Susceptibility; Malignant hyperthermia suceptibility 1. Identifiers: Orphanet 423, MedGen C2930980, MONDO:0007783, OMIM 145600.
RYR1-related disorder. Also called: RYR1-related disorders; RYR1-related condition. Identifiers: MedGen CN239331.

Allele frequency attached by ClinVar (database versions not stated): ExAC 0.00003; gnomAD 0.00003; TOPMed 0.00003; gnomAD exomes 0.00004 and 0.00006.
gnomAD v4.1: 88 of 1,610,502 alleles (0.0055%); highest among the groups gnomAD compares: Non-Finnish European, 0.007%; no homozygotes.

Submissions (5):

Labcorp Genetics (formerly Invitae), Labcorp
Classification: Likely benign for RYR1-related disorder. Last evaluated: 2025-11-03. Review status: criteria provided, single submitter. Criteria: Invitae Variant Classification Sherloc (09022015). Collection method: clinical testing. Allele origin: germline.

All of Us Research Program, National Institutes of Health
Classification: Likely benign for Malignant hyperthermia, susceptibility to, 1. Last evaluated: 2023-12-18. Review status: criteria provided, single submitter. Criteria: ACMG Guidelines, 2015. Collection method: clinical testing. Allele origin: germline. Inheritance: Autosomal dominant inheritance. Observed: 7 variant alleles, 7 heterozygotes.
Comment: This study involves interpretation of variants in research participants for the purpose of population health screening. Participant phenotype was not available at the time of variant classification. Additional details can be found in publication PMID: 35346344, PMCID: PMC8962531

Color Diagnostics, LLC DBA Color Health
Classification: Likely benign for Malignant hyperthermia, susceptibility to, 1. Last evaluated: 2022-11-06. Review status: criteria provided, single submitter. Criteria: ACMG Guidelines, 2015. Collection method: clinical testing. Allele origin: germline.

CeGaT Center for Human Genetics Tuebingen
Classification: Likely benign. Last evaluated: 2022-07-01. Review status: criteria provided, single submitter. Criteria: CeGaT Center For Human Genetics Tuebingen Variant Classification Criteria Version 2. Collection method: clinical testing. Allele origin: germline. Affected: yes. Observed: 1 variant allele.
Comment: RYR1: BP4, BP7

Breakthrough Genomics
Classification: Likely benign. Review status: criteria provided, single submitter. Criteria: ACMG Guidelines, 2015. Collection method: not provided. Allele origin: germline. Inheritance: Autosomal recessive inheritance. Affected: yes.